The following is an entry in ClinVar:

ClinVar aggregate classification (germline): Uncertain significance (1 of 4 stars; one submission).

Conditions:
MHC class II deficiency. Also called: Bare lymphocyte syndrome 2; BLS, TYPE II. Identifiers: Orphanet 572, MedGen C5447452, MONDO:0008855.

Submission:

Labcorp Genetics (formerly Invitae), Labcorp
Classification: Uncertain significance for MHC class II deficiency. Last evaluated: 2024-02-24. Review status: criteria provided, single submitter. Criteria: Invitae Variant Classification Sherloc (09022015). Collection method: clinical testing. Allele origin: germline.
Comment: This sequence change replaces leucine, which is neutral and non-polar, with arginine, which is basic and polar, at codon 297 of the CIITA protein (p.Leu297Arg). This variant is not present in population databases (gnomAD no frequency). This variant has not been reported in the literature in individuals affected with CIITA-related conditions. ClinVar contains an entry for this variant (Variation ID: 2072597). An algorithm developed to predict the effect of missense changes on protein structure and function (PolyPhen-2) suggests that this variant is likely to be tolerated. In summary, the available evidence is currently insufficient to determine the role of this variant in disease. Therefore, it has been classified as a Variant of Uncertain Significance.

NM_000246.4(CIITA):c.890T>G (p.Leu297Arg)

Gene: CIITA (class II major histocompatibility complex transactivator; plus strand). Cytogenetic location: 16p13.13.
Variant type: single nucleotide variant.
Coding change: c.890T>G on transcript NM_000246.4 (MANE Select); coding-DNA position 890, T replaced by G.
Protein change: p.Leu297Arg; replaces leucine 297 with arginine.
Molecular consequence: missense variant. On other transcripts: non-coding transcript variant (1).
Genome position (GRCh38, 1-based): chr16:10,903,848, T>G. VCF-style: chr16-10903848-T-G. GRCh37 (hg19) VCF-style: chr16-10997705-T-G.
Other names: c.893T>G, p.Leu298Arg (NM_001286402.1, NM_001379332.1); c.743T>G, p.Leu248Arg (NM_001286403.2, NM_001379331.1); c.746T>G, p.Leu249Arg (NM_001379330.1); c.890T>G, p.Leu297Arg (NM_001379333.1); c.821T>G, p.Leu274Arg (NM_001379334.1); short protein forms L249R, L274R, L248R, L297R, L298R.
Identifiers: ClinVar variation 2072597 (VCV002072597.4), dbSNP rs2544431469, ClinGen allele CA394729323.